The following is an entry in ClinVar:

ClinVar aggregate classification (germline): Benign. Review status: criteria provided, multiple submitters, no conflicts (2 of 4 stars). 8 submissions from 8 submitters: Benign (6). 2 of the submissions do not count toward it. Last evaluated 2026-02-04.

Conditions:
Congenital lactase deficiency. Also called: ALACTASIA, CONGENITAL; DISACCHARIDE INTOLERANCE II. Identifiers: Orphanet 53690, MedGen C0268179, MONDO:0009115, OMIM 223000.

Allele frequency attached by ClinVar (database versions not stated): 1000 Genomes Project 30x 0.65803; 1000 Genomes Project 0.66014; TOPMed 0.68181; gnomAD 0.69539 and 0.69972; ESP Exome Variant Server 0.69560; ExAC 0.75320; gnomAD exomes 0.75785 and 0.82087.
gnomAD v4.1: 1,303,204 of 1,613,694 alleles (81%); highest among the groups gnomAD compares: Non-Finnish European, 85%; 536,788 homozygotes.

Submissions (8):

Labcorp Genetics (formerly Invitae), Labcorp
Classification: Benign. Last evaluated: 2026-02-04. Review status: criteria provided, single submitter. Criteria: Invitae Variant Classification Sherloc (09022015). Collection method: clinical testing. Allele origin: germline.

Mayo Clinic Laboratories, Mayo Clinic
Classification: Benign. Last evaluated: 2022-09-06. Review status: criteria provided, single submitter. Criteria: ACMG Guidelines, 2015. Collection method: clinical testing. Allele origin: germline. Observed: 86 variant alleles.

Genome-Nilou Lab
Classification: Benign for Congenital lactase deficiency. Last evaluated: 2021-08-19. Review status: criteria provided, single submitter. Criteria: ACMG Guidelines, 2015. Collection method: clinical testing. Allele origin: germline. Affected: no.

GeneDx
Classification: Benign. Last evaluated: 2018-11-12. Review status: criteria provided, single submitter. Criteria: GeneDx Variant Classification Process June 2021. Collection method: clinical testing. Allele origin: germline. Affected: yes.

Illumina Laboratory Services, Illumina
Classification: Benign for Congenital lactase deficiency. Last evaluated: 2018-01-12. Review status: criteria provided, single submitter. Criteria: ICSL Variant Classification Criteria 13 December 2019. Collection method: clinical testing. Allele origin: germline.
Comment: This variant was observed in the ICSL laboratory as part of a predisposition screen in an ostensibly healthy population. It had not been previously curated by ICSL or reported in the Human Gene Mutation Database (HGMD: prior to June 1st, 2018), and was therefore a candidate for classification through an automated scoring system. Utilizing variant allele frequency, disease prevalence and penetrance estimates, and inheritance mode, an automated score was calculated to assess if this variant is too frequent to cause the disease. Based on the score and internal cut-off values, a variant classified as benign is not then subjected to further curation. The score for this variant resulted in a classification of benign for this disease.

Breakthrough Genomics
Classification: Benign. Review status: criteria provided, single submitter. Criteria: ACMG Guidelines, 2015. Collection method: not provided. Allele origin: germline. Inheritance: Autosomal recessive inheritance. Affected: yes.

Diagnostic Laboratory, Department of Genetics, University Medical Center Groningen
Classification: Benign. Review status: no assertion criteria provided. Collection method: clinical testing. Allele origin: germline. Affected: yes. Study: VKGL Data-share Consensus. Not counted in ClinVar's aggregate classification.

Joint Genome Diagnostic Labs from Nijmegen and Maastricht, Radboudumc and MUMC+
Classification: Benign. Review status: no assertion criteria provided. Collection method: clinical testing. Allele origin: germline. Affected: yes. Study: VKGL Data-share Consensus. Not counted in ClinVar's aggregate classification.

NM_002299.4(LCT):c.4606C>T (p.Leu1536=)

Gene: LCT (lactase; minus strand). Cytogenetic location: 2q21.3.
Variant type: single nucleotide variant.
Coding change: c.4606C>T on transcript NM_002299.4 (MANE Select); coding-DNA position 4606, C replaced by T.
Protein change: p.Leu1536=; no amino-acid change (leucine 1536 retained).
Molecular consequence: synonymous variant.
Genome position (GRCh38, 1-based): chr2:135,803,987, G>A on the plus strand (C>T on the coding strand, the complement: LCT is on the minus strand). VCF-style: chr2-135803987-G-A. GRCh37 (hg19) VCF-style: chr2-136561557-G-A.
Other names: p.Leu1536=; c.4606C>T (LRG_338t1).
Identifiers: ClinVar variation 331172 (VCV000331172.25), dbSNP rs2304371, ClinGen allele CA1887816.